The following is an entry in ClinVar:

NM_003482.4(KMT2D):c.1381C>T (p.Pro461Ser)

Gene: KMT2D (lysine methyltransferase 2D; minus strand). Cytogenetic location: 12q13.12.
Variant type: single nucleotide variant.
Coding change: c.1381C>T on transcript NM_003482.4 (MANE Select); coding-DNA position 1381, C replaced by T.
Protein change: p.Pro461Ser; replaces proline 461 with serine.
Molecular consequence: missense variant.
Genome position (GRCh38, 1-based): chr12:49,052,302, G>A on the plus strand (C>T on the coding strand, the complement: KMT2D is on the minus strand). VCF-style: chr12-49052302-G-A. GRCh37 (hg19) VCF-style: chr12-49446085-G-A.
Other names: short protein forms P461S.
Identifiers: ClinVar variation 2104662 (VCV002104662.4), dbSNP rs2120684933, ClinGen allele CA384675070.

ClinVar aggregate classification (germline): Uncertain significance (1 of 4 stars; one submission).

Conditions:
Kabuki syndrome. Also called: NIIKAWA-KUROKI SYNDROME; Kabuki make-up syndrome. Identifiers: Orphanet 2322, MedGen C0796004, MONDO:0016512.

Submission:

Labcorp Genetics (formerly Invitae), Labcorp
Classification: Uncertain significance for Kabuki syndrome. Last evaluated: 2022-02-28. Review status: criteria provided, single submitter. Criteria: Invitae Variant Classification Sherloc (09022015). Collection method: clinical testing. Allele origin: germline.
Comment: This variant has not been reported in the literature in individuals affected with KMT2D-related conditions. In summary, the available evidence is currently insufficient to determine the role of this variant in disease. Therefore, it has been classified as a Variant of Uncertain Significance. Advanced modeling of protein sequence and biophysical properties (such as structural, functional, and spatial information, amino acid conservation, physicochemical variation, residue mobility, and thermodynamic stability) performed at Invitae indicates that this missense variant is not expected to disrupt KMT2D protein function. This variant is not present in population databases (gnomAD no frequency). This sequence change replaces proline, which is neutral and non-polar, with serine, which is neutral and polar, at codon 461 of the KMT2D protein (p.Pro461Ser).